The following is an entry in ClinVar:

NM_001556.3(IKBKB):c.1868T>C (p.Leu623Pro)

Gene: IKBKB (inhibitor of nuclear factor kappa B kinase subunit beta; plus strand). Cytogenetic location: 8p11.21.
Variant type: single nucleotide variant.
Coding change: c.1868T>C on transcript NM_001556.3 (MANE Select); coding-DNA position 1868, T replaced by C.
Protein change: p.Leu623Pro; replaces leucine 623 with proline.
Molecular consequence: missense variant. On other transcripts: non-coding transcript variant (3).
Genome position (GRCh38, 1-based): chr8:42,322,376, T>C. VCF-style: chr8-42322376-T-C. GRCh37 (hg19) VCF-style: chr8-42179894-T-C.
Other names: c.1676T>C, p.Leu559Pro (NM_001190720.3); c.1691T>C, p.Leu564Pro (NM_001242778.2); short protein forms L623P, L559P, L564P.
Identifiers: ClinVar variation 2109093 (VCV002109093.4), dbSNP rs2487739728, ClinGen allele CA371092814.

ClinVar aggregate classification (germline): Uncertain significance (1 of 4 stars; one submission).

Conditions:
Severe combined immunodeficiency due to IKK2 deficiency. Also called: Immunodeficiency 15; IMMUNODEFICIENCY 15B. Identifiers: Orphanet 397787, MedGen C4747743, MONDO:0014267, OMIM 615592.

Submission:

Labcorp Genetics (formerly Invitae), Labcorp
Classification: Uncertain significance for Severe combined immunodeficiency due to IKK2 deficiency. Last evaluated: 2024-10-22. Review status: criteria provided, single submitter. Criteria: Invitae Variant Classification Sherloc (09022015). Collection method: clinical testing. Allele origin: germline.
Comment: This sequence change replaces leucine, which is neutral and non-polar, with proline, which is neutral and non-polar, at codon 623 of the IKBKB protein (p.Leu623Pro). This variant is not present in population databases (gnomAD no frequency). This variant has not been reported in the literature in individuals affected with IKBKB-related conditions. ClinVar contains an entry for this variant (Variation ID: 2109093). Invitae Evidence Modeling of protein sequence and biophysical properties (such as structural, functional, and spatial information, amino acid conservation, physicochemical variation, residue mobility, and thermodynamic stability) indicates that this missense variant is not expected to disrupt IKBKB protein function with a negative predictive value of 95%. In summary, the available evidence is currently insufficient to determine the role of this variant in disease. Therefore, it has been classified as a Variant of Uncertain Significance.